The following is an entry in ClinVar:

NM_080632.3(UPF3B):c.182C>G (p.Thr61Ser)

Gene: UPF3B (UPF3B regulator of nonsense mediated mRNA decay; minus strand). Cytogenetic location: Xq24.
Variant type: single nucleotide variant.
Coding change: c.182C>G on transcript NM_080632.3 (MANE Select); coding-DNA position 182, C replaced by G.
Protein change: p.Thr61Ser; replaces threonine 61 with serine.
Molecular consequence: missense variant.
Genome position (GRCh38, 1-based): chrX:119,851,848, G>C on the plus strand (C>G on the coding strand, the complement: UPF3B is on the minus strand). VCF-style: chrX-119851848-G-C. GRCh37 (hg19) VCF-style: chrX-118985811-G-C.
Other names: c.182C>G, p.Thr61Ser (NM_023010.4); short protein forms T61S.
Identifiers: ClinVar variation 2693797 (VCV002693797.3), dbSNP rs1008317163, ClinGen allele CA334131652.

ClinVar aggregate classification (germline): Uncertain significance (1 of 4 stars; one submission).

Conditions:
Intellectual developmental disorder, X-linked, syndromic 14. Also called: Syndromic X-linked intellectual disability 14. Identifiers: Orphanet 776, MedGen C1970822, MONDO:0010398, OMIM 300676.

Allele frequency attached by ClinVar (database versions not stated): gnomAD exomes below 0.00001; TOPMed 0.00002.
gnomAD v4.1: 4 of 1,192,470 alleles (0.00034%); highest among the groups gnomAD compares: East Asian, 0.003%; no homozygotes.

Submission:

Labcorp Genetics (formerly Invitae), Labcorp
Classification: Uncertain significance for Intellectual developmental disorder, X-linked, syndromic 14. Last evaluated: 2025-08-29. Review status: criteria provided, single submitter. Criteria: Invitae Variant Classification Sherloc (09022015). Collection method: clinical testing. Allele origin: germline.
Comment: This sequence change replaces threonine, which is neutral and polar, with serine, which is neutral and polar, at codon 61 of the UPF3B protein (p.Thr61Ser). This variant is not present in population databases (gnomAD no frequency). This variant has not been reported in the literature in individuals affected with UPF3B-related conditions. ClinVar contains an entry for this variant (Variation ID: 2693797). Invitae Evidence Modeling of protein sequence and biophysical properties (such as structural, functional, and spatial information, amino acid conservation, physicochemical variation, residue mobility, and thermodynamic stability) indicates that this missense variant is not expected to disrupt UPF3B protein function with a negative predictive value of 80%. In summary, the available evidence is currently insufficient to determine the role of this variant in disease. Therefore, it has been classified as a Variant of Uncertain Significance.